The following is an entry in ClinVar:

ClinVar aggregate classification (germline): Uncertain significance (1 of 4 stars; one submission).

Conditions:
Familial thoracic aortic aneurysm and aortic dissection (TAAD). Also called: Thoracic aortic aneurysms and dissections. Identifiers: Orphanet 91387, MedGen C4707243, MONDO:0019625.
Hereditary cancer-predisposing syndrome. Also called: Neoplastic Syndromes, Hereditary; Hereditary Cancer Syndrome; Tumor predisposition; Hereditary neoplastic syndrome. Identifiers: Orphanet 140162, MedGen C0027672, MeSH D009386, MONDO:0015356.

Submission:

Ambry Genetics
Classification: Uncertain significance for Hereditary cancer-predisposing syndrome; Familial thoracic aortic aneurysm and aortic dissection. Last evaluated: 2025-01-08. Review status: criteria provided, single submitter. Criteria: Ambry Variant Classification Scheme 2023. Collection method: clinical testing. Allele origin: germline.
Comment: The c.1230_1232delGAGinsAAA variant (also known as p.S411N), located in coding exon 9 of the SMAD4 gene, results from an in-frame deletion of GAG and insertion of AAA at nucleotide positions 1230 to 1232. This results in the substitution of the serine residue for an asparagine residue at codon 411, an amino acid with highly similar properties. This amino acid position is highly conserved in available vertebrate species. In addition, this alteration is predicted to be deleterious by in silico analysis. Based on the available evidence, the clinical significance of this variant remains unclear.

NM_005359.6(SMAD4):c.1230_1232delinsAAA (p.Ser411Asn)

Gene: SMAD4 (SMAD family member 4; plus strand). Cytogenetic location: 18q21.2.
Variant type: Indel.
Coding change: c.1230_1232delinsAAA on transcript NM_005359.6 (MANE Select); coding-DNA positions 1230 to 1232, GAG replaced by AAA.
Protein change: p.Ser411Asn; replaces serine 411 with asparagine.
Molecular consequence: missense variant. On other transcripts: non-coding transcript variant (1).
Genome position (GRCh38, 1-based): chr18:51,067,109-51,067,111, GAG replaced by AAA. VCF-style: chr18-51067109-GAG-AAA. GRCh37 (hg19) VCF-style: chr18-48593479-GAG-AAA.
Other names: c.1230_1232delinsAAA, p.Ser411Asn (NM_001407041.1, NM_001407042.1); short protein forms S411N.
Identifiers: ClinVar variation 3798804 (VCV003798804.1).